The following is an entry in ClinVar:

ClinVar aggregate classification (germline): Uncertain significance (1 of 4 stars; one submission).

Allele frequency attached by ClinVar (database versions not stated): gnomAD exomes 0.00001; TOPMed 0.00001.
gnomAD v4.1: 3 of 1,600,864 alleles (0.00019%); highest among the groups gnomAD compares: Admixed American, 0.0052%; no homozygotes.

Submission:

Labcorp Genetics (formerly Invitae), Labcorp
Classification: Uncertain significance. Last evaluated: 2023-03-23. Review status: criteria provided, single submitter. Criteria: Invitae Variant Classification Sherloc (09022015). Collection method: clinical testing. Allele origin: germline.
Comment: In summary, the available evidence is currently insufficient to determine the role of this variant in disease. Therefore, it has been classified as a Variant of Uncertain Significance. An algorithm developed to predict the effect of missense changes on protein structure and function (PolyPhen-2) suggests that this variant is likely to be tolerated. This variant has not been reported in the literature in individuals affected with MKL1-related conditions. This variant is present in population databases (no rsID available, gnomAD 0.003%). This sequence change replaces alanine, which is neutral and non-polar, with glycine, which is neutral and non-polar, at codon 409 of the MKL1 protein (p.Ala409Gly).

NM_020831.6(MRTFA):c.1526C>G (p.Ala509Gly)

Gene: MRTFA (myocardin related transcription factor A; minus strand). Cytogenetic location: 22q13.1.
Variant type: single nucleotide variant.
Coding change: c.1526C>G on transcript NM_020831.6 (MANE Select); coding-DNA position 1526, C replaced by G.
Protein change: p.Ala509Gly; replaces alanine 509 with glycine.
Molecular consequence: missense variant.
Genome position (GRCh38, 1-based): chr22:40,419,212, G>C on the plus strand (C>G on the coding strand, the complement: MRTFA is on the minus strand). VCF-style: chr22-40419212-G-C. GRCh37 (hg19) VCF-style: chr22-40815216-G-C.
Other names: c.1226C>G, p.Ala409Gly (NM_001282660.2); c.1376C>G, p.Ala459Gly (NM_001282661.3); c.1526C>G, p.Ala509Gly (NM_001282662.3); c.1331C>G, p.Ala444Gly (NM_001318139.2); short protein forms A509G, A444G, A409G, A459G.
Identifiers: ClinVar variation 2782543 (VCV002782543.3), dbSNP rs1177832566, ClinGen allele CA411662102.
Genomic context (GRCh38, chr22:40,419,212, plus strand): 5'-GCTGGAGCCAGGCCTGCTGCCACCAGGGCTGGCCCCGTGCTCAGCCGGGCCGCTGGGAAG[G>C]CTACCACCACCTCGCCAGCCTTGTGCAGGATAGAGGTGGCGGCAGGGGCCTTGGGGGCTC-3'
Protein context (NP_065882.2, residues 499-519): ILHKAGEVVV[Ala509Gly]FPAARLSTGP